The following is an entry in ClinVar:

ClinVar aggregate classification (germline): Uncertain significance (1 of 4 stars; one submission).

Conditions:
Immunodeficiency 132A. Also called: Herpes simplex encephalitis, susceptibility to, 3. Identifiers: Orphanet 1930, MedGen C3553868, MONDO:0013920, OMIM 614849.

gnomAD v4.1: 1 of 1,614,142 alleles (0.000062%); no homozygotes.

Submission:

Labcorp Genetics (formerly Invitae), Labcorp
Classification: Uncertain significance for Immunodeficiency 132A. Last evaluated: 2025-04-11. Review status: criteria provided, single submitter. Criteria: Invitae Variant Classification Sherloc (09022015). Collection method: clinical testing. Allele origin: germline.
Comment: This sequence change replaces proline, which is neutral and non-polar, with leucine, which is neutral and non-polar, at codon 489 of the TRAF3 protein (p.Pro489Leu). This variant is not present in population databases (gnomAD no frequency). This variant has not been reported in the literature in individuals affected with TRAF3-related conditions. An algorithm developed to predict the effect of missense changes on protein structure and function (PolyPhen-2) suggests that this variant is likely to be disruptive. In summary, the available evidence is currently insufficient to determine the role of this variant in disease. Therefore, it has been classified as a Variant of Uncertain Significance.

NM_145725.3(TRAF3):c.1466C>T (p.Pro489Leu)

Gene: TRAF3 (TNF receptor associated factor 3; plus strand). Cytogenetic location: 14q32.32.
Variant type: single nucleotide variant.
Coding change: c.1466C>T on transcript NM_145725.3 (MANE Select); coding-DNA position 1466, C replaced by T.
Protein change: p.Pro489Leu; replaces proline 489 with leucine.
Molecular consequence: missense variant.
Genome position (GRCh38, 1-based): chr14:102,905,543, C>T. VCF-style: chr14-102905543-C-T. GRCh37 (hg19) VCF-style: chr14-103371880-C-T.
Other names: c.1217C>T, p.Pro406Leu (NM_001199427.2); c.1325C>T, p.Pro442Leu (NM_001385142.1); c.1385C>T, p.Pro462Leu (NM_001385143.1); c.1466C>T, p.Pro489Leu (NM_003300.4); c.1391C>T, p.Pro464Leu (NM_145726.3); short protein forms P406L, P442L, P462L, P464L, P489L.
Identifiers: ClinVar variation 4798745 (VCV004798745.1).